The following is an entry in ClinVar:

ClinVar aggregate classification (germline): Uncertain significance. Review status: criteria provided, multiple submitters, no conflicts (2 of 4 stars). 2 submissions from 2 submitters: Uncertain significance (2). Last evaluated 2023-03-10.

Conditions:
Pheochromocytoma. Also called: MAX-Related Hereditary Paraganglioma-Pheochromocytoma Syndrome. Identifiers: Orphanet 29072, MedGen C0031511, MONDO:0008233, OMIM 171300, HP:0002666.
Paragangliomas with sensorineural hearing loss. Identifiers: MedGen C1868633.
Carney-Stratakis syndrome. Also called: PARAGANGLIOMA AND GASTROINTESTINAL STROMAL TUMOR. Identifiers: Orphanet 97286, MedGen C1847319, MONDO:0011740, OMIM 606864.
Cowden syndrome 3 (CWS3). Identifiers: Orphanet 201, MedGen CN166604, MONDO:0014045.

Submissions (2):

Labcorp Genetics (formerly Invitae), Labcorp
Classification: Uncertain significance for Carney-Stratakis syndrome; Paragangliomas with sensorineural hearing loss; Pheochromocytoma; Cowden syndrome 3. Last evaluated: 2023-03-10. Review status: criteria provided, single submitter. Criteria: Invitae Variant Classification Sherloc (09022015). Collection method: clinical testing. Allele origin: germline.
Comment: This variant has not been reported in the literature in individuals affected with SDHD-related conditions. In summary, the available evidence is currently insufficient to determine the role of this variant in disease. Therefore, it has been classified as a Variant of Uncertain Significance. Advanced modeling of protein sequence and biophysical properties (such as structural, functional, and spatial information, amino acid conservation, physicochemical variation, residue mobility, and thermodynamic stability) has been performed at Invitae for this missense variant, however the output from this modeling did not meet the statistical confidence thresholds required to predict the impact of this variant on SDHD protein function. This variant is not present in population databases (gnomAD no frequency). This sequence change replaces asparagine, which is neutral and polar, with histidine, which is basic and polar, at codon 143 of the SDHD protein (p.Asn143His).

GeneDx
Classification: Uncertain significance. Last evaluated: 2023-02-16. Review status: criteria provided, single submitter. Criteria: GeneDx Variant Classification Process June 2021. Collection method: clinical testing. Allele origin: germline. Affected: yes.
Comment: Not observed at significant frequency in large population cohorts (gnomAD); In silico analysis supports that this missense variant has a deleterious effect on protein structure/function; Has not been previously published as pathogenic or benign to our knowledge

NM_003002.4(SDHD):c.427A>C (p.Asn143His)

Gene: SDHD (succinate dehydrogenase complex subunit D; plus strand). Cytogenetic location: 11q23.1.
Variant type: single nucleotide variant.
Coding change: c.427A>C on transcript NM_003002.4 (MANE Select); coding-DNA position 427, A replaced by C.
Protein change: p.Asn143His; replaces asparagine 143 with histidine.
Molecular consequence: missense variant. On other transcripts: 3 prime UTR variant (2), non-coding transcript variant (1).
Genome position (GRCh38, 1-based): chr11:112,094,917, A>C. VCF-style: chr11-112094917-A-C. GRCh37 (hg19) VCF-style: chr11-111965641-A-C.
Other names: c.*24A>C (NM_001276503.2); c.310A>C, p.Asn104His (NM_001276504.2); c.*125A>C (NM_001276506.2); short protein forms N104H, N143H.
Identifiers: ClinVar variation 2576885 (VCV002576885.4), dbSNP rs1865812863, ClinGen allele CA382619358.